The following is an entry in ClinVar:

ClinVar aggregate classification (germline): Uncertain significance. Review status: criteria provided, single submitter (1 of 4 stars). 2 submissions from 2 submitters: Uncertain significance (1). 1 of the submissions does not count toward it. Last evaluated 2025-09-01.

Allele frequency attached by ClinVar (database versions not stated): gnomAD 0.00010 and 0.00011; ExAC 0.00012; TOPMed 0.00012; ESP Exome Variant Server 0.00031.
gnomAD v4.1: 169 of 1,613,782 alleles (0.01%); highest among the groups gnomAD compares: Middle Eastern, 0.033%; no homozygotes.

Submissions (2):

CeGaT Center for Human Genetics Tuebingen
Classification: Uncertain significance. Last evaluated: 2025-09-01. Review status: criteria provided, single submitter. Criteria: CeGaT Center For Human Genetics Tuebingen Variant Classification Criteria Version 2. Collection method: clinical testing. Allele origin: germline. Affected: yes. Observed: 1 variant allele.
Comment: SLC6A20: PM2

Department of Pathology and Laboratory Medicine, Sinai Health System
Classification: Uncertain significance. Review status: no assertion criteria provided. Collection method: clinical testing. Allele origin: unknown. Affected: yes. Study: The Canadian Open Genetics Repository (COGR). Not counted in ClinVar's aggregate classification.
Comment: The SLC6A20 p.R187H variant was not identified in the literature nor was it identified in ClinVar. The variant was identified in dbSNP (ID: rs149068093) and in control databases in 34 of 281704 chromosomes at a frequency of 0.0001207, and was observed at the highest frequency in the European (non-Finnish) population in 25 of 128196 chromosomes (freq: 0.0001950) (Genome Aggregation Database March 6, 2019, v2.1.1). The p.R187 residue is conserved in mammals and more distantly related organisms, and computational analyses (MUT Assesor, PolyPhen-2, SIFT, MutationTaster, Revel, FATHMM, MetaLR, DANN) suggest that the variant may impact the protein; however this information is not predictive enough to assume pathogenicity. The variant occurs outside of the splicing consensus sequence and in silico or computational prediction software programs (Splice AI exome) do not predict a difference in splicing. In summary, based on the above information the clinical significance of this variant cannot be determined with certainty at this time. This variant is classified as a variant of uncertain significance.

NM_020208.4(SLC6A20):c.560G>A (p.Arg187His)

Gene: SLC6A20 (solute carrier family 6 member 20; minus strand). Cytogenetic location: 3p21.31.
Variant type: single nucleotide variant.
Coding change: c.560G>A on transcript NM_020208.4 (MANE Select); coding-DNA position 560, G replaced by A.
Protein change: p.Arg187His; replaces arginine 187 with histidine.
Molecular consequence: missense variant.
Genome position (GRCh38, 1-based): chr3:45,775,783, C>T on the plus strand (G>A on the coding strand, the complement: SLC6A20 is on the minus strand). VCF-style: chr3-45775783-C-T. GRCh37 (hg19) VCF-style: chr3-45817275-C-T.
Other names: c.560G>A, p.Arg187His (NM_001385683.1, NM_022405.4); short protein forms R187H.
Identifiers: ClinVar variation 1050495 (VCV001050495.8), dbSNP rs149068093, ClinGen allele CA2351588.